The following is an entry in ClinVar:

NM_005186.4(CAPN1):c.519G>A (p.Gly173=)

Gene: CAPN1 (calpain 1; plus strand). Cytogenetic location: 11q13.1.
Variant type: single nucleotide variant.
Coding change: c.519G>A on transcript NM_005186.4 (MANE Select); coding-DNA position 519, G replaced by A.
Protein change: p.Gly173=; no amino-acid change (glycine 173 retained).
Molecular consequence: synonymous variant. On other transcripts: non-coding transcript variant (1).
Genome position (GRCh38, 1-based): chr11:65,185,979, G>A. VCF-style: chr11-65185979-G-A. GRCh37 (hg19) VCF-style: chr11-64953450-G-A.
Other names: c.519G>A, p.Gly173= (NM_001198868.2, NM_001198869.2).
Identifiers: ClinVar variation 711379 (VCV000711379.34), dbSNP rs201854138, ClinGen allele CA6093114.

ClinVar aggregate classification (germline): Likely benign. Review status: criteria provided, multiple submitters, no conflicts (2 of 4 stars). 5 submissions from 5 submitters: Likely benign (5). Last evaluated 2026-06-08.

Allele frequency attached by ClinVar (database versions not stated): gnomAD exomes 0.00022 and 0.00031; ESP Exome Variant Server 0.00023; gnomAD 0.00025 and 0.00027; TOPMed 0.00029; 1000 Genomes Project 30x 0.00031; 1000 Genomes Project 0.00040; ExAC 0.00040.
gnomAD v4.1: 502 of 1,604,026 alleles (0.031%); highest among the groups gnomAD compares: Middle Eastern, 0.066%; no homozygotes.

Submissions (5):

Women's Health and Genetics/Laboratory Corporation of America, LabCorp
Classification: Likely benign. Last evaluated: 2026-06-08. Review status: criteria provided, single submitter. Criteria: LabCorp Variant Classification Summary - May 2015. Collection method: clinical testing. Allele origin: germline.

Labcorp Genetics (formerly Invitae), Labcorp
Classification: Likely benign. Last evaluated: 2025-10-28. Review status: criteria provided, single submitter. Criteria: Invitae Variant Classification Sherloc (09022015). Collection method: clinical testing. Allele origin: germline.

Blueprint Genetics
Classification: Likely benign. Last evaluated: 2024-07-10. Review status: criteria provided, single submitter. Criteria: ACMG Guidelines, 2015. Collection method: clinical testing. Allele origin: germline.

CeGaT Center for Human Genetics Tuebingen
Classification: Likely benign. Last evaluated: 2024-02-01. Review status: criteria provided, single submitter. Criteria: CeGaT Center For Human Genetics Tuebingen Variant Classification Criteria Version 2. Collection method: clinical testing. Allele origin: germline. Affected: yes. Observed: 1 variant allele.
Comment: CAPN1: BP4, BP7

Breakthrough Genomics
Classification: Likely benign. Review status: criteria provided, single submitter. Criteria: ACMG Guidelines, 2015. Collection method: not provided. Allele origin: germline. Inheritance: Autosomal recessive inheritance. Affected: yes.